The following is an entry in ClinVar:

NM_001940.4(ATN1):c.3165_3176del (p.Ile1057_His1060del)

Gene: ATN1 (atrophin 1; plus strand). Cytogenetic location: 12p13.31.
Variant type: Deletion.
Coding change: c.3165_3176del on transcript NM_001940.4 (MANE Select); coding-DNA positions 3165 to 3176, 12 bases deleted (CCACATCCACTC).
Protein change: p.Ile1057_His1060del.
Molecular consequence: inframe deletion.
Genome position (GRCh38, 1-based): chr12:6,939,128-6,939,139, CCACATCCACTC deleted; deleting any 12 consecutive bases within chr12:6,939,123-6,939,139 gives the same sequence; the c. name uses the placement nearest the transcript's 3' end. VCF-style (leftmost placement, unchanged base first): chr12-6939122-GCACTCCCACATC-G. GRCh37 (hg19) VCF-style: chr12-7048285-GCACTCCCACATC-G.
Other names: c.3165_3176del, p.Ile1057_His1060del (NM_001007026.2); c.3165_3176del (NM_001007026.1).
Identifiers: ClinVar variation 1012272 (VCV001012272.3), dbSNP rs2138219913, ClinGen allele CA2499221841.

ClinVar aggregate classification (germline): Pathogenic. Review status: criteria provided, multiple submitters, no conflicts (2 of 4 stars). 2 submissions from 2 submitters: Pathogenic (2). Last evaluated 2023-11-10.

Conditions:
Congenital hypotonia, epilepsy, developmental delay, and digital anomalies (CHEDDA). Also called: ATN1-Related Neurodevelopmental Disorder. Identifiers: MedGen C5193125, MONDO:0032781, OMIM 618494.

Submissions (2):

GeneDx
Classification: Pathogenic. Last evaluated: 2023-11-10. Review status: criteria provided, single submitter. Criteria: GeneDx Variant Classification Process June 2021. Collection method: clinical testing. Allele origin: germline. Affected: yes.
Comment: In-frame deletion of 4 amino acids in a non-repeat region; Not observed at significant frequency in large population cohorts (gnomAD); In silico analysis supports a deleterious effect on protein structure/function; This variant is associated with the following publications: (PMID: 36251950, 34212383)

Sydney Children's Hospital, SCHN
Classification: Pathogenic for Congenital hypotonia, epilepsy, developmental delay, and digital anomalies. Review status: criteria provided, single submitter. Criteria: ACMG Guidelines, 2015. Collection method: clinical testing. Allele origin: de novo. Inheritance: Autosomal dominant inheritance. Affected: yes. Observed: 1 variant allele, 1 heterozygote.